The following is an entry in ClinVar:

NM_000628.5(IL10RB):c.120G>A (p.Trp40Ter)

Genes: IFNAR2-IL10RB (IFNAR2-IL10RB readthrough; plus strand), IL10RB (interleukin 10 receptor subunit beta; plus strand). Cytogenetic location: 21q22.11.
Variant type: single nucleotide variant.
Coding change: c.120G>A on transcript NM_000628.5 (MANE Select); coding-DNA position 120, G replaced by A.
Protein change: p.Trp40Ter; replaces tryptophan 40 with a stop codon.
Molecular consequence: nonsense.
Genome position (GRCh38, 1-based): chr21:33,268,464, G>A. VCF-style: chr21-33268464-G-A. GRCh37 (hg19) VCF-style: chr21-34640769-G-A.
Other names: short protein forms W40*.
Identifiers: ClinVar variation 836516 (VCV000836516.8), dbSNP rs1989014468, ClinGen allele CA410107234.

ClinVar aggregate classification (germline): Pathogenic (1 of 4 stars; one submission).

Conditions:
Inflammatory bowel disease 25. Also called: Inflammatory bowel disease 25, early onset, autosomal recessive. Identifiers: Orphanet 238569, MedGen C2675508, MONDO:0012941, OMIM 612567.

Submission:

Labcorp Genetics (formerly Invitae), Labcorp
Classification: Pathogenic for Inflammatory bowel disease 25. Last evaluated: 2019-11-26. Review status: criteria provided, single submitter. Criteria: Invitae Variant Classification Sherloc (09022015). Collection method: clinical testing. Allele origin: germline.
Comment: For these reasons, this variant has been classified as Pathogenic. Loss-of-function variants in IL10RB are known to be pathogenic (PMID: 22549091). This variant has not been reported in the literature in individuals with IL10RB-related conditions. This variant is not present in population databases (ExAC no frequency). This sequence change creates a premature translational stop signal (p.Trp40*) in the IL10RB gene. It is expected to result in an absent or disrupted protein product.

Literature cited by the submitters: PubMed 22549091.